The following is an entry in ClinVar:

NM_001105206.3(LAMA4):c.40T>C (p.Trp14Arg)

Genes: LAMA4 (laminin subunit alpha 4; minus strand), LAMA4-AS1 (LAMA4 antisense RNA 1; plus strand). Cytogenetic location: 6q21.
Variant type: single nucleotide variant.
Coding change: c.40T>C on transcript NM_001105206.3 (MANE Select); coding-DNA position 40, T replaced by C.
Protein change: p.Trp14Arg; replaces tryptophan 14 with arginine.
Molecular consequence: missense variant.
Genome position (GRCh38, 1-based): chr6:112,254,111, A>G on the plus strand (T>C on the coding strand, the complement: LAMA4 is on the minus strand). VCF-style: chr6-112254111-A-G. GRCh37 (hg19) VCF-style: chr6-112575313-A-G.
Other names: c.40T>C, p.Trp14Arg (NM_001105207.3, NM_001105208.3, NM_001105209.3 and 1 more transcripts); c.40T>C (NM_002290.3); short protein forms W14R.
Identifiers: ClinVar variation 518375 (VCV000518375.14), dbSNP rs782293373, ClinGen allele CA3966352.
Genomic context (GRCh38, chr6:112,254,111, plus strand): 5'-AAGGAAAAGCGTTGTCGTCCCCGGACGCGGCGCGGGAGCAGGCAGCGCTCCAGAGGAGCC[A>G]CAGAGGCAGAACCGAGCGCCAGGCTGAGCTCAAAGCCATTTCTCCGCTGACATCCAGTAG-3'
Protein context (NP_001098676.2, residues 4-24): SSAWRSVLPL[Trp14Arg]LLWSAACSRA

ClinVar aggregate classification (germline): Uncertain significance. Review status: criteria provided, multiple submitters, no conflicts (2 of 4 stars). 4 submissions from 4 submitters: Uncertain significance (2). 2 of the submissions do not count toward it. Last evaluated 2025-03-21.

Conditions:
Cardiovascular phenotype. Identifiers: MedGen CN230736.
Dilated cardiomyopathy 1JJ (CMD1JJ). Identifiers: Orphanet 154, MedGen C3808935, MONDO:0014095, OMIM 615235.

Allele frequency attached by ClinVar (database versions not stated): gnomAD 0.00003; ExAC 0.00002; gnomAD exomes 0.00001 and 0.00002; TOPMed 0.00001.
gnomAD v4.1: 35 of 1,612,820 alleles (0.0022%); highest among the groups gnomAD compares: Non-Finnish European, 0.003%; no homozygotes.

Submissions (4):

Ambry Genetics
Classification: Uncertain significance for Cardiovascular phenotype. Last evaluated: 2025-03-21. Review status: criteria provided, single submitter. Criteria: Ambry Variant Classification Scheme 2023. Collection method: clinical testing. Allele origin: germline.
Comment: The p.W14R variant (also known as c.40T>C), located in coding exon 1 of the LAMA4 gene, results from a T to C substitution at nucleotide position 40. The tryptophan at codon 14 is replaced by arginine, an amino acid with dissimilar properties. This amino acid position is not well conserved in available vertebrate species. In addition, this alteration is predicted to be tolerated by in silico analysis. The evidence for this gene-disease relationship is limited; therefore, the clinical significance of this alteration is unclear.

Labcorp Genetics (formerly Invitae), Labcorp
Classification: Uncertain significance for Dilated cardiomyopathy 1JJ. Last evaluated: 2024-01-04. Review status: criteria provided, single submitter. Criteria: Invitae Variant Classification Sherloc (09022015). Collection method: clinical testing. Allele origin: germline.
Comment: This sequence change replaces tryptophan, which is neutral and slightly polar, with arginine, which is basic and polar, at codon 14 of the LAMA4 protein (p.Trp14Arg). This variant is present in population databases (rs782293373, gnomAD 0.004%). This variant has not been reported in the literature in individuals affected with LAMA4-related conditions. ClinVar contains an entry for this variant (Variation ID: 518375). An algorithm developed to predict the effect of missense changes on protein structure and function (PolyPhen-2) suggests that this variant is likely to be tolerated. In summary, the available evidence is currently insufficient to determine the role of this variant in disease. Therefore, it has been classified as a Variant of Uncertain Significance.

Clinical Genetics DNA and cytogenetics Diagnostics Lab, Erasmus MC, Erasmus Medical Center
Classification: Uncertain significance. Review status: no assertion criteria provided. Collection method: clinical testing. Allele origin: germline. Affected: yes. Study: VKGL Data-share Consensus. Not counted in ClinVar's aggregate classification.

Diagnostic Laboratory, Department of Genetics, University Medical Center Groningen
Classification: Uncertain significance for Dilated cardiomyopathy 1JJ. Review status: no assertion criteria provided. Collection method: clinical testing. Allele origin: germline. Affected: yes. Study: VKGL Data-share Consensus. Not counted in ClinVar's aggregate classification.